The following is an entry in ClinVar:

NM_000362.5(TIMP3):c.*3482C>T

Genes: SYN3 (synapsin III; minus strand), TIMP3 (TIMP metallopeptidase inhibitor 3; plus strand). Cytogenetic location: 22q12.3.
Variant type: single nucleotide variant.
Coding change: c.*3482C>T on transcript NM_000362.5 (MANE Select); 3482 bases downstream of the stop codon, C replaced by T.
Molecular consequence: 3 prime UTR variant. On other transcripts: intron variant (7).
Genome position (GRCh38, 1-based): chr22:32,862,859, C>T. VCF-style: chr22-32862859-C-T. GRCh37 (hg19) VCF-style: chr22-33258846-C-T.
Other names: c.708+2056G>A (NM_001369909.1, NM_001135774.2, NM_001369910.1); c.711+2056G>A (NM_001369907.1, NM_003490.4, NM_001369908.1 and 1 more transcripts).
Identifiers: ClinVar variation 341409 (VCV000341409.5), dbSNP rs886057453, ClinGen allele CA10653433.

ClinVar aggregate classification (germline): Benign (1 of 4 stars; one submission).

Conditions:
Sorsby fundus dystrophy (SFD). Also called: MACULAR DYSTROPHY, HEMORRHAGIC; Sorsby fundus dystrophy, Lavia type; FUNDUS DYSTROPHY, PSEUDOINFLAMMATORY, OF SORSBY. Identifiers: Orphanet 59181, MedGen C1850938, MONDO:0007640, OMIM 136900.

Allele frequency attached by ClinVar (database versions not stated): TOPMed 0.00009; gnomAD 0.00019.

Submission:

Illumina Laboratory Services, Illumina
Classification: Benign for Sorsby fundus dystrophy. Last evaluated: 2017-11-02. Review status: criteria provided, single submitter. Criteria: ICSL Variant Classification Criteria 13 December 2019. Collection method: clinical testing. Allele origin: germline.
Comment: This variant was observed as part of a predisposition screen in an ostensibly healthy population. A literature search was performed for the gene, cDNA change, and amino acid change (where applicable). No publications were found based on this search. Allele frequency data from public databases was too high to be consistent with this variant causing disease. Therefore, this variant is classified as benign.